The following is an entry in ClinVar:

NM_020774.4(MIB1):c.435G>A (p.Lys145=)

Gene: MIB1 (MIB E3 ubiquitin protein ligase 1; plus strand). Cytogenetic location: 18q11.2.
Variant type: single nucleotide variant.
Coding change: c.435G>A on transcript NM_020774.4 (MANE Select); coding-DNA position 435, G replaced by A.
Protein change: p.Lys145=; no amino-acid change (lysine 145 retained).
Molecular consequence: synonymous variant.
Genome position (GRCh38, 1-based): chr18:21,768,656, G>A. VCF-style: chr18-21768656-G-A. GRCh37 (hg19) VCF-style: chr18-19348617-G-A.
Identifiers: ClinVar variation 671481 (VCV000671481.1), dbSNP rs1598601116, ClinGen allele CA503291195.

ClinVar aggregate classification (germline): Likely benign (1 of 4 stars; one submission).

Allele frequency attached by ClinVar (database versions not stated): gnomAD exomes below 0.00001.
gnomAD v4.1: 1 of 1,594,938 alleles (0.000063%); highest among the groups gnomAD compares: East Asian, 0.0023%; no homozygotes.

Submission:

GeneDx
Classification: Likely benign. Last evaluated: 2018-06-15. Review status: criteria provided, single submitter. Criteria: GeneDx Variant Classification (06012015). Collection method: clinical testing. Allele origin: germline. Affected: yes.
Comment: This variant is considered likely benign or benign based on one or more of the following criteria: it is a conservative change, it occurs at a poorly conserved position in the protein, it is predicted to be benign by multiple in silico algorithms, and/or has population frequency not consistent with disease.